The following is an entry in ClinVar:

ClinVar aggregate classification (germline): Pathogenic. Review status: criteria provided, multiple submitters, no conflicts (2 of 4 stars). 5 submissions from 5 submitters: Pathogenic (2). 3 of the submissions do not count toward it. Last evaluated 2024-08-28.

Conditions:
NPM1-related disorder. Also called: NPM1-related condition.
Myelodysplastic syndrome progressed to acute myeloid leukemia.
Acute myeloid leukemia (AML). Also called: Acute myeloid leukemia, adult; AML adult; Acute non-lymphocytic leukemia; Acute granulocytic leukemia; Leukemia, acute myeloid, somatic; Leukemia, acute myelogenous, somatic. Identifiers: Orphanet 519, MedGen C0023467, MeSH D015470, MONDO:0018874, OMIM 601626, HP:0004808. Disease mechanism: Constitutively activated FLT3.

Allele frequency attached by ClinVar (database versions not stated): ExAC 0.00001.

Submissions (5):

Blueprint Genetics
Classification: Pathogenic for NPM1-related disorders. Last evaluated: 2024-08-28. Review status: criteria provided, single submitter. Criteria: ACMG Guidelines, 2015. Collection method: clinical testing. Allele origin: germline. Affected: yes. Observed: 1 variant allele.

Hospital of the University of Pennsylvania, Center for Personalized Diagnostics
Classification: Pathogenic for Myelodysplastic syndrome progressed to acute myeloid leukemia. Last evaluated: 2016-01-08. Review status: criteria provided, single submitter. Criteria: Assertion_Criteria_HUP. Collection method: clinical testing. Allele origin: somatic. Affected: yes.
Comment: Usually associated with favorable prognosis in AML unless a concomitant FLT3-ITD mutation is also present

PreventionGenetics, part of Exact Sciences
Classification: Pathogenic for NPM1-related condition. Last evaluated: 2024-05-24. Review status: no assertion criteria provided. Collection method: clinical testing. Allele origin: germline. Not counted in ClinVar's aggregate classification.
Comment: The NPM1 c.860_863dupTCTG variant is predicted to result in a frameshift and premature protein termination (p.Trp288Cysfs*12). This variant has been reported in individuals with acute myeloid leukemia (Falini et al. 2005. PubMed ID: 15659725; Becker et al. 2009. PubMed ID: 20026798. Table A1 online only; Table S2 - Turro et al. 2020. PubMed ID: 32581362). This variant has not been reported in a large population database, indicating this variant is rare. This variant is interpreted as pathogenic in Clinvar. Frameshift variants in NPM1 are expected to be pathogenic. This variant is interpreted as pathogenic.

OMIM
Classification: Pathogenic for LEUKEMIA, ACUTE MYELOID, SOMATIC. Last evaluated: 2005-01-20. Review status: no assertion criteria provided. Collection method: literature only. Allele origin: somatic. Not counted in ClinVar's aggregate classification.

NIHR Bioresource Rare Diseases, University of Cambridge
Classification: Pathogenic for Acute myeloid leukemia. Review status: no assertion criteria provided. Collection method: research. Allele origin: unknown. Affected: yes. Observed: 1 variant allele. Not counted in ClinVar's aggregate classification.

Literature cited by the submitters: PubMed 20026798 (cited by Hospital of the University of Pennsylvania, Center for Personalized Diagnostics); PubMed 15659725 (cited by OMIM); PubMed 32581362 (cited by NIHR Bioresource Rare Diseases, University of Cambridge).

NM_002520.7(NPM1):c.860_863dup (p.Trp288fs)

Gene: NPM1 (nucleophosmin 1; plus strand). Cytogenetic location: 5q35.1.
Variant type: Duplication.
Coding change: c.860_863dup on transcript NM_002520.7 (MANE Select); coding-DNA positions 860 to 863, 4 bases duplicated (TCTG; older notation c.860_863dupTCTG).
Protein change: p.Trp288fs; shifts the reading frame from tryptophan 288.
Molecular consequence: frameshift variant. On other transcripts: non-coding transcript variant (1).
Genome position (GRCh38, 1-based): chr5:171,410,540-171,410,543, TCTG duplicated. VCF-style (leftmost placement, unchanged base first): chr5-171410539-C-CTCTG. GRCh37 (hg19) VCF-style: chr5-170837543-C-CTCTG.
Other names: c.860_863dup, p.Trp288fs (NM_001355006.2); c.668_671dup, p.Trp224fs (NM_001355007.2); c.479_482dup, p.Trp161fs (NM_001355010.2); c.773_776dup, p.Trp259fs (NM_199185.4); short protein forms W224fs, W161fs, W259fs, W288fs.
Identifiers: ClinVar variation 13998 (VCV000013998.6), dbSNP rs587776806, ClinGen allele CA280199.